The following is an entry in ClinVar:

NM_001130438.3(SPTAN1):c.6213C>G (p.Ser2071Arg)

Gene: SPTAN1 (spectrin alpha, non-erythrocytic 1; plus strand). Cytogenetic location: 9q34.11.
Variant type: single nucleotide variant.
Coding change: c.6213C>G on transcript NM_001130438.3 (MANE Select); coding-DNA position 6213, C replaced by G.
Protein change: p.Ser2071Arg; replaces serine 2071 with arginine.
Molecular consequence: missense variant.
Genome position (GRCh38, 1-based): chr9:128,625,912, C>G. VCF-style: chr9-128625912-C-G. GRCh37 (hg19) VCF-style: chr9-131388191-C-G.
Other names: c.6138C>G, p.Ser2046Arg (NM_001195532.2); c.6213C>G, p.Ser2071Arg (NM_001363759.2); c.6153C>G, p.Ser2051Arg (NM_001363765.2); c.6198C>G, p.Ser2066Arg (NM_003127.4); short protein forms S2071R, S2046R, S2066R, S2051R.
Identifiers: ClinVar variation 385631 (VCV000385631.15), dbSNP rs754910706, ClinGen allele CA5265662.
Genomic context (GRCh38, chr9:128,625,912, plus strand): 5'-CAAACACGTTCAGTCCAAGGCCATCGAGGCCCGGCACGCCTCCCTCATGAAGAGGTGGAG[C>G]CAGCTTCTGGCCAACTCAGCCGCCCGCAAGAAGAAGCTTCTGGAGGCTCAGAGTCACTTC-3'
Protein context (NP_001123910.1, residues 2061-2081): ARHASLMKRW[Ser2071Arg]QLLANSAARK

ClinVar aggregate classification (germline): Conflicting classifications of pathogenicity. Review status: criteria provided, conflicting classifications (1 of 4 stars). 4 submissions from 4 submitters: Uncertain significance (3); Likely benign (1). Last evaluated 2025-10-21.

Conditions:
Early-infantile DEE. Also called: Ohtahara syndrome; Early infantile epileptic encephalopathy with suppression bursts; Early infantile epileptic encephalopathy. Identifiers: Orphanet 1934, MedGen C0393706, MONDO:0800491.
Developmental and epileptic encephalopathy, 5 (DEE5). Identifiers: Orphanet 3451, MedGen C3150731, MONDO:0013277, OMIM 613477.

Allele frequency attached by ClinVar (database versions not stated): gnomAD exomes 0.00001; ExAC 0.00002; TOPMed below 0.00001.
gnomAD v4.1: 11 of 1,614,204 alleles (0.00068%); highest among the groups gnomAD compares: Admixed American, 0.0067%; no homozygotes.

Submissions (4):

Labcorp Genetics (formerly Invitae), Labcorp
Classification: Uncertain significance for Early-infantile DEE. Last evaluated: 2025-10-21. Review status: criteria provided, single submitter. Criteria: Invitae Variant Classification Sherloc (09022015). Collection method: clinical testing. Allele origin: germline.
Comment: This sequence change replaces serine, which is neutral and polar, with arginine, which is basic and polar, at codon 2071 of the SPTAN1 protein (p.Ser2071Arg). This variant is present in population databases (rs754910706, gnomAD 0.002%). This variant has not been reported in the literature in individuals affected with SPTAN1-related conditions. ClinVar contains an entry for this variant (Variation ID: 385631). Invitae Evidence Modeling of protein sequence and biophysical properties (such as structural, functional, and spatial information, amino acid conservation, physicochemical variation, residue mobility, and thermodynamic stability) has been performed for this missense variant. However, the output from this modeling did not meet the statistical confidence thresholds required to predict the impact of this variant on SPTAN1 protein function. In summary, the available evidence is currently insufficient to determine the role of this variant in disease. Therefore, it has been classified as a Variant of Uncertain Significance.

Blueprint Genetics
Classification: Uncertain significance. Last evaluated: 2021-11-23. Review status: criteria provided, single submitter. Criteria: ACMG Guidelines, 2015. Collection method: clinical testing. Allele origin: germline.

Genome-Nilou Lab
Classification: Uncertain significance for Developmental and epileptic encephalopathy, 5. Last evaluated: 2021-07-15. Review status: criteria provided, single submitter. Criteria: ACMG Guidelines, 2015. Collection method: clinical testing. Allele origin: germline. Affected: no.

GeneDx
Classification: Likely benign. Last evaluated: 2016-04-29. Review status: criteria provided, single submitter. Criteria: GeneDx Variant Classification (06012015). Collection method: clinical testing. Allele origin: germline. Affected: yes.
Comment: This variant is considered likely benign or benign based on one or more of the following criteria: it is a conservative change, it occurs at a poorly conserved position in the protein, it is predicted to be benign by multiple in silico algorithms, and/or has population frequency not consistent with disease.